The following is an entry in ClinVar:

NM_182943.3(PLOD2):c.1823G>C (p.Gly608Ala)

Gene: PLOD2 (procollagen-lysine,2-oxoglutarate 5-dioxygenase 2; minus strand). Cytogenetic location: 3q24.
Variant type: single nucleotide variant.
Coding change: c.1823G>C on transcript NM_182943.3 (MANE Select); coding-DNA position 1823, G replaced by C.
Protein change: p.Gly608Ala; replaces glycine 608 with alanine.
Molecular consequence: missense variant.
Genome position (GRCh38, 1-based): chr3:146,072,586, C>G on the plus strand (G>C on the coding strand, the complement: PLOD2 is on the minus strand). VCF-style: chr3-146072586-C-G. GRCh37 (hg19) VCF-style: chr3-145790373-C-G.
Other names: c.1760G>C, p.Gly587Ala (NM_000935.3); short protein forms G587A, G608A.
Identifiers: ClinVar variation 3776485 (VCV003776485.1).

ClinVar aggregate classification (germline): Uncertain significance (1 of 4 stars; one submission).

gnomAD v4.1: 1 of 1,608,490 alleles (0.000062%); highest among the groups gnomAD compares: Non-Finnish European, 0.000085%; no homozygotes.

Submission:

GeneDx
Classification: Uncertain significance. Last evaluated: 2024-10-02. Review status: criteria provided, single submitter. Criteria: GeneDx Variant Classification Process June 2021. Collection method: clinical testing. Allele origin: germline. Affected: yes.
Comment: Not observed at significant frequency in large population cohorts (gnomAD); In silico analysis supports that this missense variant has a deleterious effect on protein structure/function; Has not been previously published as pathogenic or benign to our knowledge